The following is an entry in ClinVar:

NM_005357.4(LIPE):c.1051G>A (p.Ala351Thr)

Genes: LIPE (lipase E, hormone sensitive type; minus strand), LIPE-AS1 (LIPE antisense RNA 1; plus strand). Cytogenetic location: 19q13.2.
Variant type: single nucleotide variant.
Coding change: c.1051G>A on transcript NM_005357.4 (MANE Select); coding-DNA position 1051, G replaced by A.
Protein change: p.Ala351Thr; replaces alanine 351 with threonine.
Molecular consequence: missense variant.
Genome position (GRCh38, 1-based): chr19:42,410,675, C>T on the plus strand (G>A on the coding strand, the complement: LIPE is on the minus strand). VCF-style: chr19-42410675-C-T. GRCh37 (hg19) VCF-style: chr19-42914827-C-T.
Other names: short protein forms A351T.
Identifiers: ClinVar variation 1049870 (VCV001049870.1), dbSNP rs574913478, ClinGen allele CA9477158.

ClinVar aggregate classification (germline): Uncertain significance (0 of 4 stars; one submission).

Allele frequency attached by ClinVar (database versions not stated): gnomAD exomes below 0.00001; ExAC 0.00001; gnomAD 0.00001 and 0.00002; TOPMed 0.00002; 1000 Genomes Project 0.00020; 1000 Genomes Project 30x 0.00031.
gnomAD v4.1: 7 of 1,612,058 alleles (0.00043%); highest among the groups gnomAD compares: African/African-American, 0.008%; no homozygotes.

Submission:

Department of Pathology and Laboratory Medicine, Sinai Health System
Classification: Uncertain significance. Review status: no assertion criteria provided. Collection method: clinical testing. Allele origin: unknown. Affected: yes. Study: The Canadian Open Genetics Repository (COGR).
Comment: The LIPE p.Ala351Thr variant was not identified in the literature nor was it identified in ClinVar, Cosmic or LOVD 3.0. The variant was identified in dbSNP (ID: rs574913478) and was also found in control databases in 2 of 273928 chromosomes at a frequency of 0.000007 (Genome Aggregation Database Feb 27, 2017). The variant was observed in the African population in 2 of 23998 chromosomes (freq: 0.000083), while the variant was not observed in the Latino, Ashkenazi Jewish, East Asian, European (Finnish), European (non-Finnish), Other, and South Asian populations. The variant occurs outside of the splicing consensus sequence and in silico or computational prediction software programs (SpliceSiteFinder, MaxEntScan, NNSPLICE, GeneSplicer) do not predict a difference in splicing. The p.Ala351 residue is not conserved in mammals and computational analyses (PolyPhen-2, SIFT, AlignGVGD, BLOSUM, MutationTaster) do not suggest a high likelihood of impact to the protein; however, this information is not predictive enough to rule out pathogenicity. In summary, based on the above information the clinical significance of this variant cannot be determined with certainty at this time. This variant is classified as a variant of uncertain significance.